The following is an entry in ClinVar:

NM_006231.4(POLE):c.2063A>G (p.His688Arg)

Gene: POLE (DNA polymerase epsilon, catalytic subunit; minus strand). Cytogenetic location: 12q24.33.
Variant type: single nucleotide variant.
Coding change: c.2063A>G on transcript NM_006231.4 (MANE Select); coding-DNA position 2063, A replaced by G.
Protein change: p.His688Arg; replaces histidine 688 with arginine.
Molecular consequence: missense variant.
Genome position (GRCh38, 1-based): chr12:132,668,466, T>C on the plus strand (A>G on the coding strand, the complement: POLE is on the minus strand). VCF-style: chr12-132668466-T-C. GRCh37 (hg19) VCF-style: chr12-133245052-T-C.
Other names: c.2063A>G (NM_006231.2); short protein forms H688R.
Identifiers: ClinVar variation 1418478 (VCV001418478.7), dbSNP rs2135975929, ClinGen allele CA387354282.

ClinVar aggregate classification (germline): Uncertain significance. Review status: criteria provided, multiple submitters, no conflicts (2 of 4 stars). 2 submissions from 2 submitters: Uncertain significance (2). Last evaluated 2025-03-05.

Conditions:
Hereditary cancer-predisposing syndrome. Also called: Hereditary Cancer Syndrome; Tumor predisposition; Hereditary neoplastic syndrome; Neoplastic Syndromes, Hereditary. Identifiers: Orphanet 140162, MedGen C0027672, MeSH D009386, MONDO:0015356.

Submissions (2):

Ambry Genetics
Classification: Uncertain significance for Hereditary cancer-predisposing syndrome. Last evaluated: 2025-03-05. Review status: criteria provided, single submitter. Criteria: Ambry Variant Classification Scheme 2023. Collection method: clinical testing. Allele origin: germline.
Comment: The p.H688R variant (also known as c.2063A>G), located in coding exon 19 of the POLE gene, results from an A to G substitution at nucleotide position 2063. The histidine at codon 688 is replaced by arginine, an amino acid with highly similar properties. This amino acid position is conserved. In addition, this alteration is predicted to be tolerated by in silico analysis. Based on the available evidence, the clinical significance of this variant remains unclear.

Labcorp Genetics (formerly Invitae), Labcorp
Classification: Uncertain significance. Last evaluated: 2024-10-15. Review status: criteria provided, single submitter. Criteria: Invitae Variant Classification Sherloc (09022015). Collection method: clinical testing. Allele origin: germline.
Comment: This sequence change replaces histidine, which is basic and polar, with arginine, which is basic and polar, at codon 688 of the POLE protein (p.His688Arg). This variant is not present in population databases (gnomAD no frequency). This variant has not been reported in the literature in individuals affected with POLE-related conditions. ClinVar contains an entry for this variant (Variation ID: 1418478). Invitae Evidence Modeling of protein sequence and biophysical properties (such as structural, functional, and spatial information, amino acid conservation, physicochemical variation, residue mobility, and thermodynamic stability) indicates that this missense variant is not expected to disrupt POLE protein function with a negative predictive value of 80%. In summary, the available evidence is currently insufficient to determine the role of this variant in disease. Therefore, it has been classified as a Variant of Uncertain Significance.